The following is an entry in ClinVar:

NM_152722.5(HEPACAM):c.803+8T>C

Gene: HEPACAM (hepatic and glial cell adhesion molecule; minus strand). Cytogenetic location: 11q24.2.
Variant type: single nucleotide variant.
Coding change: c.803+8T>C on transcript NM_152722.5 (MANE Select); 8 bases into the intron after coding-DNA position 803, T replaced by C.
Molecular consequence: intron variant.
Genome position (GRCh38, 1-based): chr11:124,923,332, A>G on the plus strand (T>C on the coding strand, the complement: HEPACAM is on the minus strand). VCF-style: chr11-124923332-A-G. GRCh37 (hg19) VCF-style: chr11-124793228-A-G.
Identifiers: ClinVar variation 374746 (VCV000374746.54), dbSNP rs374953883, ClinGen allele CA6345652.
Genomic context (GRCh38, chr11:124,923,332, plus strand): 5'-AAGAAAATAATGGGGCTTAGGTTTGGGATGGATTGAAGGACTCAGGTGCTCAGGAGAGTT[A>G]CCCAGACCTTTTGGAGGGTTTCCAGCAGGCACAGACTGTCACCAAGGTCACAAGGAGGAA-3'

ClinVar aggregate classification (germline): Conflicting classifications of pathogenicity. Review status: criteria provided, conflicting classifications (1 of 4 stars). 4 submissions from 4 submitters: Uncertain significance (1); Likely benign (2). 1 of the submissions does not count toward it. Last evaluated 2025-07-16.

Conditions:
HEPACAM-related disorder. Also called: HEPACAM-related condition.

Allele frequency attached by ClinVar (database versions not stated): ESP Exome Variant Server 0.00015; gnomAD 0.00016 and 0.00014; ExAC 0.00020; gnomAD exomes 0.00022 and 0.00014; TOPMed 0.00028.
gnomAD v4.1: 232 of 1,594,092 alleles (0.015%); highest among the groups gnomAD compares: Middle Eastern, 0.17%; no homozygotes.

Submissions (4):

Labcorp Genetics (formerly Invitae), Labcorp
Classification: Likely benign. Last evaluated: 2025-07-16. Review status: criteria provided, single submitter. Criteria: Invitae Variant Classification Sherloc (09022015). Collection method: clinical testing. Allele origin: germline.

Blueprint Genetics
Classification: Likely benign. Last evaluated: 2024-08-15. Review status: criteria provided, single submitter. Criteria: ACMG Guidelines, 2015. Collection method: clinical testing. Allele origin: germline.

CeGaT Center for Human Genetics Tuebingen
Classification: Uncertain significance. Last evaluated: 2016-07-01. Review status: criteria provided, single submitter. Criteria: CeGaT Center For Human Genetics Tuebingen Variant Classification Criteria Version 2. Collection method: clinical testing. Allele origin: germline. Affected: yes. Observed: 1 variant allele.

PreventionGenetics, part of Exact Sciences
Classification: Likely benign for HEPACAM-related condition. Last evaluated: 2022-12-22. Review status: no assertion criteria provided. Collection method: clinical testing. Allele origin: germline. Not counted in ClinVar's aggregate classification.
Comment: This variant is classified as likely benign based on ACMG/AMP sequence variant interpretation guidelines (Richards et al. 2015 PMID: 25741868, with internal and published modifications).